The following is an entry in ClinVar:

ClinVar aggregate classification (germline): Pathogenic (1 of 4 stars; one submission).

Conditions:
Inborn genetic diseases. Identifiers: MedGen C0950123, MeSH D030342.

Submission:

Ambry Genetics
Classification: Pathogenic for Inborn genetic diseases. Last evaluated: 2025-10-29. Review status: criteria provided, single submitter. Criteria: Ambry Variant Classification Scheme 2023. Collection method: clinical testing. Allele origin: germline.
Comment: The c.718delC (p.R240Gfs*26) alteration, located in exon 6 (coding exon 4) of the CTNND1 gene, consists of a deletion of one nucleotide at position 718, causing a translational frameshift with a predicted alternate stop codon after 26 amino acids. This alteration is expected to result in loss of function by premature protein truncation or nonsense-mediated mRNA decay. This variant was not reported in population-based cohorts in the Genome Aggregation Database (gnomAD). Based on the available evidence, this alteration is classified as pathogenic.

NM_001085458.2(CTNND1):c.718del (p.Arg240fs)

Genes: CTNND1 (catenin delta 1; plus strand), TMX2-CTNND1 (TMX2-CTNND1 readthrough (NMD candidate); plus strand). Cytogenetic location: 11q12.1.
Variant type: Deletion.
Coding change: c.718del on transcript NM_001085458.2 (MANE Select); coding-DNA position 718, one base deleted (C; older notation c.718delC).
Protein change: p.Arg240fs; shifts the reading frame from arginine 240.
Molecular consequence: frameshift variant. On other transcripts: non-coding transcript variant (1).
Genome position (GRCh38, 1-based): chr11:57,796,754, C deleted. VCF-style (leftmost placement, unchanged base first): chr11-57796753-GC-G. GRCh37 (hg19) VCF-style: chr11-57564225-GC-G.
Other names: c.718del, p.Arg240fs (NM_001085459.2, NM_001085460.2, NM_001085461.2 and 3 more transcripts); c.415del, p.Arg139fs (NM_001085463.2, NM_001085464.2, NM_001085465.2 and 5 more transcripts); c.556del, p.Arg186fs (NM_001206883.2, NM_001206884.2, NM_001206886.2 and 4 more transcripts); short protein forms R139fs, R186fs, R240fs.
Identifiers: ClinVar variation 4616693 (VCV004616693.1).